The following is an entry in ClinVar:

ClinVar aggregate classification (germline): Uncertain significance (1 of 4 stars; one submission).

Conditions:
Carnitine palmitoyl transferase 1A deficiency. Also called: CPT I DEFICIENCY; CPT DEFICIENCY, HEPATIC, TYPE I; Carnitine palmitoyltransferase 1A deficiency; CPT deficiency, hepatic, type IA; Carnitine palmitoyltransferase type I deficiency. Identifiers: Orphanet 156, MedGen C1829703, MONDO:0009705, OMIM 255120.

gnomAD v4.1: 6 of 1,614,092 alleles (0.00037%); highest among the groups gnomAD compares: East Asian, 0.0022%; no homozygotes.

Submission:

Neuberg Centre For Genomic Medicine, NCGM
Classification: Uncertain significance for Carnitine palmitoyl transferase 1A deficiency. Review status: criteria provided, single submitter. Criteria: ACMG Guidelines, 2015. Collection method: clinical testing. Allele origin: germline. Inheritance: Autosomal recessive inheritance. Affected: yes.
Comment: The missense c.734G>A (p.Arg245Gln) variant in gene has not been reported previously as a pathogenic variant nor as a benign variant, to our knowledge. The p.Arg245Gln variant is present with allele frequency of 0.002% in gnomAD Exomes. This variant has not been submitted to the ClinVar database. Multiple lines of computational evidence (Polyphen - Probably damaging, SIFT – Damaging and Mutation Taster - Disease causing) predict a damaging effect on protein structure and function for this variant. The reference amino acid at this position on CPT1A gene is predicted as conserved by GERP++ and PhyloP across 100 vertebrates. The amino acid Arg at position 245 is changed to a Gln changing protein sequence and it might alter its composition and physico-chemical properties. For these reasons, this variant has been classified as Variant of Uncertain Significance (VUS).

NM_001876.4(CPT1A):c.734G>A (p.Arg245Gln)

Gene: CPT1A (carnitine palmitoyltransferase 1A; minus strand). Cytogenetic location: 11q13.3.
Variant type: single nucleotide variant.
Coding change: c.734G>A on transcript NM_001876.4 (MANE Select); coding-DNA position 734, G replaced by A.
Protein change: p.Arg245Gln; replaces arginine 245 with glutamine.
Molecular consequence: missense variant.
Genome position (GRCh38, 1-based): chr11:68,796,893, C>T on the plus strand (G>A on the coding strand, the complement: CPT1A is on the minus strand). VCF-style: chr11-68796893-C-T. GRCh37 (hg19) VCF-style: chr11-68564361-C-T.
Other names: c.734G>A, p.Arg245Gln (NM_001031847.3); short protein forms R245Q.
Identifiers: ClinVar variation 3603294 (VCV003603294.1).